The following is an entry in ClinVar:

NM_003900.5(SQSTM1):c.378G>A (p.Val126=)

Gene: SQSTM1 (sequestosome 1; plus strand). Cytogenetic location: 5q35.3.
Variant type: single nucleotide variant.
Coding change: c.378G>A on transcript NM_003900.5 (MANE Select); coding-DNA position 378, G replaced by A.
Protein change: p.Val126=; no amino-acid change (valine 126 retained).
Molecular consequence: synonymous variant.
Genome position (GRCh38, 1-based): chr5:179,823,934, G>A. VCF-style: chr5-179823934-G-A. GRCh37 (hg19) VCF-style: chr5-179250934-G-A.
Other names: c.126G>A, p.Val42= (NM_001142298.2, NM_001142299.2).
Identifiers: ClinVar variation 779541 (VCV000779541.12), dbSNP rs774780830, ClinGen allele CA3600492.

ClinVar aggregate classification (germline): Benign. Review status: criteria provided, single submitter (1 of 4 stars). 2 submissions from 2 submitters: Benign (1). 1 of the submissions does not count toward it. Last evaluated 2025-10-12.

Conditions:
Frontotemporal dementia and/or amyotrophic lateral sclerosis 1 (FTDALS1). Also called: Frontotemporal dementia with motor neuron disease 1; C9orf72 Frontotemporal Dementia and/or Amyotrophic Lateral Sclerosis. Identifiers: Orphanet 275872, MedGen C5779877, MONDO:0007105, OMIM 105550.
Paget disease of bone 2, early-onset (PDB2). Also called: Paget disease of bone 2. Identifiers: MedGen C4085251, MONDO:0011183, OMIM 602080.
SQSTM1-related disorder. Also called: SQSTM1-Related Disorders.

Allele frequency attached by ClinVar (database versions not stated): gnomAD exomes 0.00002 and 0.00015; gnomAD 0.00006; TOPMed 0.00006; ExAC 0.00015.

Submissions (2):

Labcorp Genetics (formerly Invitae), Labcorp
Classification: Benign for Paget disease of bone 2, early-onset; Frontotemporal dementia and/or amyotrophic lateral sclerosis 1. Last evaluated: 2025-10-12. Review status: criteria provided, single submitter. Criteria: Invitae Variant Classification Sherloc (09022015). Collection method: clinical testing. Allele origin: germline.

PreventionGenetics, part of Exact Sciences
Classification: Likely benign for SQSTM1-related condition. Last evaluated: 2023-01-06. Review status: no assertion criteria provided. Collection method: clinical testing. Allele origin: germline. Not counted in ClinVar's aggregate classification.
Comment: This variant is classified as likely benign based on ACMG/AMP sequence variant interpretation guidelines (Richards et al. 2015 PMID: 25741868, with internal and published modifications).